The following is an entry in ClinVar:

NM_000428.3(LTBP2):c.4874C>T (p.Pro1625Leu)

Gene: LTBP2 (latent transforming growth factor beta binding protein 2; minus strand). Cytogenetic location: 14q24.3.
Variant type: single nucleotide variant.
Coding change: c.4874C>T on transcript NM_000428.3 (MANE Select); coding-DNA position 4874, C replaced by T.
Protein change: p.Pro1625Leu; replaces proline 1625 with leucine.
Molecular consequence: missense variant.
Genome position (GRCh38, 1-based): chr14:74,503,233, G>A on the plus strand (C>T on the coding strand, the complement: LTBP2 is on the minus strand). VCF-style: chr14-74503233-G-A. GRCh37 (hg19) VCF-style: chr14-74969936-G-A.
Other names: short protein forms P1625L.
Identifiers: ClinVar variation 2000827 (VCV002000827.4), dbSNP rs1332046628, ClinGen allele CA390384302.

ClinVar aggregate classification (germline): Uncertain significance (1 of 4 stars; one submission).

Allele frequency attached by ClinVar (database versions not stated): gnomAD exomes below 0.00001.
gnomAD v4.1: 5 of 1,614,020 alleles (0.00031%); highest among the groups gnomAD compares: Non-Finnish European, 0.00042%; no homozygotes.

Submission:

Labcorp Genetics (formerly Invitae), Labcorp
Classification: Uncertain significance. Last evaluated: 2023-12-07. Review status: criteria provided, single submitter. Criteria: Invitae Variant Classification Sherloc (09022015). Collection method: clinical testing. Allele origin: germline.
Comment: This sequence change replaces proline, which is neutral and non-polar, with leucine, which is neutral and non-polar, at codon 1625 of the LTBP2 protein (p.Pro1625Leu). This variant is not present in population databases (gnomAD no frequency). This variant has not been reported in the literature in individuals affected with LTBP2-related conditions. ClinVar contains an entry for this variant (Variation ID: 2000827). An algorithm developed to predict the effect of missense changes on protein structure and function (PolyPhen-2) suggests that this variant is likely to be disruptive. In summary, the available evidence is currently insufficient to determine the role of this variant in disease. Therefore, it has been classified as a Variant of Uncertain Significance.